The following is an entry in ClinVar:

ClinVar aggregate classification (germline): Uncertain significance (1 of 4 stars; one submission).

Conditions:
Inborn genetic diseases. Identifiers: MedGen C0950123, MeSH D030342.

Allele frequency attached by ClinVar (database versions not stated): gnomAD exomes below 0.00001.
gnomAD v4.1: 1 of 1,611,512 alleles (0.000062%); highest among the groups gnomAD compares: African/African-American, 0.0013%; no homozygotes.

Submission:

Ambry Genetics
Classification: Uncertain significance for Inborn genetic diseases. Last evaluated: 2019-03-26. Review status: criteria provided, single submitter. Criteria: Ambry Variant Classification Scheme 2023. Collection method: clinical testing. Allele origin: germline.
Comment: The p.M2753I variant (also known as c.8259G>A), located in coding exon 37 of the CHD7 gene, results from a G to A substitution at nucleotide position 8259. The methionine at codon 2753 is replaced by isoleucine, an amino acid with highly similar properties. This amino acid position is well conserved in available vertebrate species. In addition, the in silico prediction for this alteration is inconclusive. Since supporting evidence is limited at this time, the clinical significance of this alteration remains unclear.

NM_017780.4(CHD7):c.8259G>A (p.Met2753Ile)

Gene: CHD7 (chromodomain helicase DNA binding protein 7; plus strand). Cytogenetic location: 8q12.2.
Variant type: single nucleotide variant.
Coding change: c.8259G>A on transcript NM_017780.4 (MANE Select); coding-DNA position 8259, G replaced by A.
Protein change: p.Met2753Ile; replaces methionine 2753 with isoleucine.
Molecular consequence: missense variant.
Genome position (GRCh38, 1-based): chr8:60,865,198, G>A. VCF-style: chr8-60865198-G-A. GRCh37 (hg19) VCF-style: chr8-61777757-G-A.
Other names: c.2112G>A, p.Met704Ile (NM_001316690.1); short protein forms M2753I, M704I.
Identifiers: ClinVar variation 1762644 (VCV001762644.2), dbSNP rs2488144484, ClinGen allele CA371307978.